The following is an entry in ClinVar:

ClinVar aggregate classification (germline): Pathogenic. Review status: criteria provided, multiple submitters, no conflicts (2 of 4 stars). 3 submissions from 3 submitters: Pathogenic (3). Last evaluated 2026-02-01.

Conditions:
Pitt-Hopkins syndrome (PTHS). Also called: ENCEPHALOPATHY, SEVERE EPILEPTIC, WITH AUTONOMIC DYSFUNCTION; MENTAL RETARDATION, SYNDROMAL, WITH INTERMITTENT HYPERVENTILATION. Identifiers: Orphanet 2896, MedGen C1970431, MONDO:0012589, OMIM 610954.
Inborn genetic diseases. Identifiers: MedGen C0950123, MeSH D030342.

Allele frequency attached by ClinVar (database versions not stated): gnomAD exomes below 0.00001.
gnomAD v4.1: 1 of 1,614,100 alleles (0.000062%); highest among the groups gnomAD compares: Non-Finnish European, 0.000085%; no homozygotes.

Submissions (3):

Labcorp Genetics (formerly Invitae), Labcorp
Classification: Pathogenic for Pitt-Hopkins syndrome. Last evaluated: 2026-02-01. Review status: criteria provided, single submitter. Criteria: Invitae Variant Classification Sherloc (09022015). Collection method: clinical testing. Allele origin: germline.
Comment: This sequence change replaces valine, which is neutral and non-polar, with isoleucine, which is neutral and non-polar, at codon 617 of the TCF4 protein (p.Val617Ile). This variant is not present in population databases (gnomAD no frequency). This missense change has been observed in individual(s) with clinical features of Pitt-Hopkins syndrome (PMID: 34128147, 36574749, 38571311; internal data). In at least one individual the variant was observed to be de novo. It has also been observed to segregate with disease in related individuals. ClinVar contains an entry for this variant (Variation ID: 1208406). Invitae Evidence Modeling of protein sequence and biophysical properties (such as structural, functional, and spatial information, amino acid conservation, physicochemical variation, residue mobility, and thermodynamic stability) has been performed for this missense variant. However, the output from this modeling did not meet the statistical confidence thresholds required to predict the impact of this variant on TCF4 protein function. For these reasons, this variant has been classified as Pathogenic.

GeneDx
Classification: Pathogenic. Last evaluated: 2025-10-30. Review status: criteria provided, single submitter. Criteria: GeneDx Variant Classification Process June 2021. Collection method: clinical testing. Allele origin: germline. Affected: yes.
Comment: Not observed at significant frequency in large population cohorts (gnomAD); In silico analysis suggests that this missense variant does not alter protein structure/function; This variant is associated with the following publications: (PMID: 34128147, 36574749, 38571311)

Ambry Genetics
Classification: Pathogenic for Inborn genetic diseases. Last evaluated: 2025-10-09. Review status: criteria provided, single submitter. Criteria: Ambry Variant Classification Scheme 2023. Collection method: clinical testing. Allele origin: germline.
Comment: The c.1849G>A (p.V617I) alteration is located in exon 18 (coding exon 17) of the TCF4 gene. This alteration results from a G to A substitution at nucleotide position 1849, causing the valine (V) at amino acid position 617 to be replaced by an isoleucine (I). This variant was not reported in population-based cohorts in the Genome Aggregation Database (gnomAD). This variant was reported as heterozygous in individual(s) with features consistent with a mild form of Pitt-Hopkins syndrome; in at least one individual, it was determined to be de novo (Aldeeri, 2022; van der Laan, 2024; Zhao, 2024). This amino acid position is highly conserved in available vertebrate species. This missense alteration is located in a region that has a low rate of benign missense variation (Lek, 2016; Firth, 2009). This alteration is predicted to be deleterious by in silico analysis. Based on the available evidence, this alteration is classified as pathogenic.

Literature cited by the submitters: PubMed 34128147 (cited by Labcorp Genetics (formerly Invitae), Labcorp and Ambry Genetics); PubMed 36574749 (cited by Labcorp Genetics (formerly Invitae), Labcorp and Ambry Genetics); PubMed 38571311 (cited by Labcorp Genetics (formerly Invitae), Labcorp and Ambry Genetics); PubMed 38331897 (cited by Ambry Genetics).

NM_001083962.2(TCF4):c.1849G>A (p.Val617Ile)

Gene: TCF4 (transcription factor 4; minus strand). Cytogenetic location: 18q21.2.
Variant type: single nucleotide variant.
Coding change: c.1849G>A on transcript NM_001083962.2 (MANE Select); coding-DNA position 1849, G replaced by A.
Protein change: p.Val617Ile; replaces valine 617 with isoleucine.
Molecular consequence: missense variant.
Genome position (GRCh38, 1-based): chr18:55,228,877, C>T on the plus strand (G>A on the coding strand, the complement: TCF4 is on the minus strand). VCF-style: chr18-55228877-C-T. GRCh37 (hg19) VCF-style: chr18-52896108-C-T.
Other names: c.1849G>A, p.Val617Ile (NM_001369568.1, NM_001369567.1); c.1846G>A, p.Val616Ile (NM_001369569.1, NM_001369570.1, NM_001330604.3); c.1837G>A, p.Val613Ile (NM_001369571.1, NM_001369572.1, NM_003199.3); c.1834G>A, p.Val612Ile (NM_001369573.1, NM_001369574.1); c.1777G>A, p.Val593Ile (NM_001369575.1, NM_001243227.2, NM_001348217.1 and 1 more transcripts); c.1774G>A, p.Val592Ile (NM_001369576.1, NM_001369577.1, NM_001369578.1 and 3 more transcripts); c.2155G>A, p.Val719Ile (NM_001243226.3); c.1867G>A, p.Val623Ile (NM_001243228.2); and 14 more; short protein forms V401I, V452I, V453I, V457I, V483I, V487I, V542I, V546I.
Identifiers: ClinVar variation 1208406 (VCV001208406.8), dbSNP rs1568303086, ClinGen allele CA402528288.